The following is an entry in ClinVar:

NM_001379110.1(SLC9A6):c.-56-4G>T

Gene: SLC9A6 (solute carrier family 9 member A6; plus strand). Cytogenetic location: Xq26.3.
Variant type: single nucleotide variant.
Coding change: c.-56-4G>T on transcript NM_001379110.1 (MANE Select); 4 bases into the intron before 56 bases upstream of the start codon, G replaced by T.
Molecular consequence: intron variant. On other transcripts: missense variant (2).
Genome position (GRCh38, 1-based): chrX:135,985,599, G>T. VCF-style: chrX-135985599-G-T. GRCh37 (hg19) VCF-style: chrX-135067758-G-T.
Other names: c.97G>T, p.Ala33Ser (NM_001042537.2, NM_006359.3); c.-56-4G>T (NM_001177651.2, NM_001330652.2); short protein forms A33S.
Identifiers: ClinVar variation 1062813 (VCV001062813.9), dbSNP rs782312727, ClinGen allele CA10524591.

ClinVar aggregate classification (germline): Uncertain significance (1 of 4 stars; one submission).

Conditions:
Christianson syndrome (MRXSCH). Also called: X-linked mental retardation, syndromic, Christianson type; INTELLECTUAL DEVELOPMENTAL DISORDER, X-LINKED, SYNDROMIC, CHRISTIANSON TYPE; SLC9A6-Related Syndromic Mental Retardation. Identifiers: Orphanet 85278, MedGen C2678194, MONDO:0010278, OMIM 300243.

Allele frequency attached by ClinVar (database versions not stated): ExAC 0.00001; gnomAD exomes 0.00001 and 0.00002.
gnomAD v4.1: 7 of 1,209,642 alleles (0.00058%); highest among the groups gnomAD compares: South Asian, 0.011%; no homozygotes.

Submission:

Labcorp Genetics (formerly Invitae), Labcorp
Classification: Uncertain significance for Christianson syndrome. Last evaluated: 2022-11-22. Review status: criteria provided, single submitter. Criteria: Invitae Variant Classification Sherloc (09022015). Collection method: clinical testing. Allele origin: germline.
Comment: This variant has not been reported in the literature in individuals affected with SLC9A6-related conditions. In summary, the available evidence is currently insufficient to determine the role of this variant in disease. Therefore, it has been classified as a Variant of Uncertain Significance. Algorithms developed to predict the effect of sequence changes on RNA splicing suggest that this variant may disrupt the consensus splice site. Algorithms developed to predict the effect of missense changes on protein structure and function (SIFT, PolyPhen-2, Align-GVGD) all suggest that this variant is likely to be tolerated. ClinVar contains an entry for this variant (Variation ID: 1062813). The frequency data for this variant in the population databases is considered unreliable, as metrics indicate poor data quality at this position in the gnomAD database. This sequence change replaces alanine, which is neutral and non-polar, with serine, which is neutral and polar, at codon 33 of the SLC9A6 protein (p.Ala33Ser).